The following is an entry in ClinVar:

NM_001267550.2(TTN):c.848del (p.Pro283fs)

Gene: TTN (titin; minus strand). Cytogenetic location: 2q31.2.
Variant type: Deletion.
Coding change: c.848del on transcript NM_001267550.2 (MANE Select); coding-DNA position 848, one base deleted (C; older notation c.848delC).
Protein change: p.Pro283fs; shifts the reading frame from proline 283.
Molecular consequence: frameshift variant.
Genome position (GRCh38, 1-based): chr2:178,799,553, G deleted on the plus strand (C on the coding strand, the reverse complement: TTN is on the minus strand); the first of 4 consecutive G bases (chr2:178,799,553-178,799,556); deleting any one gives the same sequence. VCF-style (leftmost placement, unchanged base first): chr2-178799552-TG-T. GRCh37 (hg19) VCF-style: chr2-179664279-TG-T.
Other names: c.848del, p.Pro283fs (NM_001256850.1, NM_003319.4, NM_133378.4 and 3 more transcripts); short protein forms P283fs.
Identifiers: ClinVar variation 1443932 (VCV001443932.8), dbSNP rs2154358488, ClinGen allele CA2573134012.

ClinVar aggregate classification (germline): Likely pathogenic (1 of 4 stars; one submission).

Conditions:
Dilated cardiomyopathy 1G (CMD1G). Identifiers: Orphanet 154, MedGen C1858763, MONDO:0011400, OMIM 604145.
Autosomal recessive limb-girdle muscular dystrophy type 2J (LGMDR10). Also called: MUSCULAR DYSTROPHY, LIMB-GIRDLE, AUTOSOMAL RECESSIVE 10; Limb-girdle muscular dystrophy, type 2J. Identifiers: Orphanet 140922, MedGen C1837342, MONDO:0012127, OMIM 608807.

Submission:

Labcorp Genetics (formerly Invitae), Labcorp
Classification: Likely pathogenic for Dilated cardiomyopathy 1G; Autosomal recessive limb-girdle muscular dystrophy type 2J. Last evaluated: 2024-10-18. Review status: criteria provided, single submitter. Criteria: Invitae Variant Classification Sherloc (09022015). Collection method: clinical testing. Allele origin: germline.
Comment: This sequence change creates a premature translational stop signal (p.Pro283Hisfs*4) in the TTN gene. While this is not anticipated to result in nonsense mediated decay, it is expected to create a truncated TTN protein. This variant is not present in population databases (gnomAD no frequency). This variant has not been reported in the literature in individuals affected with TTN-related conditions. ClinVar contains an entry for this variant (Variation ID: 1443932). This variant is located in the Z band of TTN (PMID: 25589632). Truncating variants in this region have been reported in individuals affected with autosomal recessive centronuclear myopathy (PMID: 33449170, internal data). Truncating variants in this region have also been identified in individuals affected with autosomal dominant dilated cardiomyopathy and/or cardio-related conditions (PMID: 27869827, 32964742, internal data). In summary, the currently available evidence indicates that the variant is pathogenic, but additional data are needed to prove that conclusively. Therefore, this variant has been classified as Likely Pathogenic.

Literature cited by the submitters: PubMed 25589632; PubMed 33449170; PubMed 27869827; PubMed 32964742.